The following is an entry in ClinVar:

NM_006218.4(PIK3CA):c.1635_1636delinsTA (p.Glu545_Gln546delinsAspLys)

Gene: PIK3CA (phosphatidylinositol-4,5-bisphosphate 3-kinase catalytic subunit alpha; plus strand). Cytogenetic location: 3q26.32.
Variant type: Indel.
Coding change: c.1635_1636delinsTA on transcript NM_006218.4 (MANE Select); coding-DNA positions 1635 to 1636, GC replaced by TA.
Protein change: p.Glu545_Gln546delinsAspLys.
Molecular consequence: missense variant.
Genome position (GRCh38, 1-based): chr3:179,218,305-179,218,306, GC replaced by TA. VCF-style: chr3-179218305-GC-TA. GRCh37 (hg19) VCF-style: chr3-178936093-GC-TA.
Identifiers: ClinVar variation 1691392 (VCV001691392.2), dbSNP rs2108408372, ClinGen allele CA2573136778.
Genomic context (GRCh38, chr3:179,218,305, plus strand): 5'-AAATGACAAAGAACAGCTCAAAGCAATTTCTACACGAGATCCTCTCTCTGAAATCACTGA[GC>TA]AGGAGAAAGATTTTCTATGGAGTCACAGGTAAGTGCTAAAATGGAGATTCTCTGTTTCTT-3'

ClinVar aggregate classification (germline): Pathogenic (1 of 4 stars; one submission).

Submission:

Seattle Children's Hospital Molecular Genetics Laboratory, Seattle Children's Hospital
Classification: Pathogenic. Last evaluated: 2021-04-29. Review status: criteria provided, single submitter. Criteria: ACMG Guidelines, 2015. Collection method: clinical testing. Allele origin: somatic. Affected: yes.
Comment: This variant results in the substitution of two adjacent amino acids (glutamate and glutamine) with two different amino acids (aspartate and lysine) at positions 545 and 546, respectively, within the p110alpha subunit of the PIK3CA protein. Although this particular amino acid substitution has not been previously reported in vascular malformations, it has been observed as an activating mutation in cancer (PMID: 28481359). In addition, single amino acid substitutions at both positions 545 and 546 have been observed in multiple unrelated individuals with PIK3CA-related segmental overgrowth syndrome, including fibroadipose vascular anomaly (PMID: 25681199, PMID: 31536475, PMID: 31585106). The p.E545_Q546delsinDK substitution occurs within the helical domain of the PIK3CA protein (UniProt P42336). Experimental studies have demonstrated that substitutions within this domain result in overactivation of the PI3K/AKT/mTOR pathway and increased proliferation in vitro (PMID: 17376864, PMID: 26627007). This variant has not been observed in presumably healthy individuals (Genome Aggregation Database v2.1).